The following is an entry in ClinVar:

ClinVar aggregate classification (germline): Uncertain significance (1 of 4 stars; one submission).

Conditions:
Brugada syndrome. Also called: Sudden unexpected nocturnal death syndrome; Sudden unexplained nocturnal death syndrome; Sudden Unexplained Death Syndrome; Sudden Unexplained Nocturnal Death Syndrome (SUNDS). Identifiers: Orphanet 130, MedGen C1142166, MONDO:0015263.

gnomAD v4.1: 1 of 1,614,188 alleles (0.000062%); no homozygotes.

Submission:

Labcorp Genetics (formerly Invitae), Labcorp
Classification: Uncertain significance for Brugada syndrome. Last evaluated: 2026-01-19. Review status: criteria provided, single submitter. Criteria: Invitae Variant Classification Sherloc (09022015). Collection method: clinical testing. Allele origin: germline.
Comment: This sequence change replaces lysine, which is basic and polar, with glutamic acid, which is acidic and polar, at codon 371 of the SCN10A protein (p.Lys371Glu). This variant is not present in population databases (gnomAD no frequency). This variant has not been reported in the literature in individuals affected with SCN10A-related conditions. ClinVar contains an entry for this variant (Variation ID: 1923279). Invitae Evidence Modeling of protein sequence and biophysical properties (such as structural, functional, and spatial information, amino acid conservation, physicochemical variation, residue mobility, and thermodynamic stability) indicates that this missense variant is not expected to disrupt SCN10A protein function with a negative predictive value of 80%. In summary, the available evidence is currently insufficient to determine the role of this variant in disease. Therefore, it has been classified as a Variant of Uncertain Significance.

NM_006514.4(SCN10A):c.1111A>G (p.Lys371Glu)

Gene: SCN10A (sodium voltage-gated channel alpha subunit 10; minus strand). Cytogenetic location: 3p22.2.
Variant type: single nucleotide variant.
Coding change: c.1111A>G on transcript NM_006514.4 (MANE Select); coding-DNA position 1111, A replaced by G.
Protein change: p.Lys371Glu; replaces lysine 371 with glutamic acid.
Molecular consequence: missense variant.
Genome position (GRCh38, 1-based): chr3:38,756,853, T>C on the plus strand (A>G on the coding strand, the complement: SCN10A is on the minus strand). VCF-style: chr3-38756853-T-C. GRCh37 (hg19) VCF-style: chr3-38798344-T-C.
Other names: c.1111A>G, p.Lys371Glu (NM_001293306.2, NM_001293307.2); short protein forms K371E.
Identifiers: ClinVar variation 1923279 (VCV001923279.5), dbSNP rs2470791762, ClinGen allele CA352169947.